The following is an entry in ClinVar:

ClinVar aggregate classification (germline): Likely pathogenic (1 of 4 stars; one submission).

Conditions:
Aortic valve disease 2 (AOVD2). Identifiers: MedGen C3542024, MONDO:0013902, OMIM 614823.

Submission:

Labcorp Genetics (formerly Invitae), Labcorp
Classification: Likely pathogenic for Aortic valve disease 2. Last evaluated: 2021-10-18. Review status: criteria provided, single submitter. Criteria: Invitae Variant Classification Sherloc (09022015). Collection method: clinical testing. Allele origin: germline.
Comment: This sequence change replaces asparagine with lysine at codon 162 of the TBX5 protein (p.Asn162Lys). The asparagine residue is highly conserved and there is a moderate physicochemical difference between asparagine and lysine. This variant is not present in population databases (ExAC no frequency). This variant has not been reported in the literature in individuals affected with TBX5-related conditions. Advanced modeling of protein sequence and biophysical properties (such as structural, functional, and spatial information, amino acid conservation, physicochemical variation, residue mobility, and thermodynamic stability) performed at Invitae indicates that this missense variant is expected to disrupt TBX5 protein function. This variant disrupts the p.Asn162 amino acid residue in TBX5. Other variant(s) that disrupt this residue have been determined to be pathogenic (Invitae). This suggests that this residue is clinically significant, and that variants that disrupt this residue are likely to be disease-causing. In summary, the currently available evidence indicates that the variant is pathogenic, but additional data are needed to prove that conclusively. Therefore, this variant has been classified as Likely Pathogenic.

NM_181486.4(TBX5):c.486C>A (p.Asn162Lys)

Gene: TBX5 (T-box transcription factor 5; minus strand). Cytogenetic location: 12q24.21.
Variant type: single nucleotide variant.
Coding change: c.486C>A on transcript NM_181486.4 (MANE Select); coding-DNA position 486, C replaced by A.
Protein change: p.Asn162Lys; replaces asparagine 162 with lysine.
Molecular consequence: missense variant.
Genome position (GRCh38, 1-based): chr12:114,398,597, G>T on the plus strand (C>A on the coding strand, the complement: TBX5 is on the minus strand). VCF-style: chr12-114398597-G-T. GRCh37 (hg19) VCF-style: chr12-114836402-G-T.
Other names: c.486C>A, p.Asn162Lys (NM_000192.3); c.336C>A, p.Asn112Lys (NM_080717.4); short protein forms N162K, N112K.
Identifiers: ClinVar variation 1491230 (VCV001491230.6), dbSNP rs2136416601, ClinGen allele CA386861992.
Genomic context (GRCh38, chr12:114,398,597, plus strand): 5'-GGAGACAAGGCGGGGAATCCAGGCCACGGTACTCACATGCCCAAATGGGTCCAGGTGGTT[G>T]TTGGTGAGCTTGAGTTTCTGGAAGGAGACGAGCTGCCTCATCCAATGCGCCCCGGTGGCG-3'
Protein context (NP_852259.1, residues 152-172): LVSFQKLKLT[Asn162Lys]NHLDPFGHII